The following is an entry in ClinVar:

NM_001048174.2(MUTYH):c.1075A>G (p.Ile359Val)

Gene: MUTYH (mutY DNA glycosylase; minus strand). Cytogenetic location: 1p34.1.
Variant type: single nucleotide variant.
Coding change: c.1075A>G on transcript NM_001048174.2 (MANE Select); coding-DNA position 1075, A replaced by G.
Protein change: p.Ile359Val; replaces isoleucine 359 with valine.
Molecular consequence: missense variant. On other transcripts: non-coding transcript variant (7).
Genome position (GRCh38, 1-based): chr1:45,331,688, T>C on the plus strand (A>G on the coding strand, the complement: MUTYH is on the minus strand). VCF-style: chr1-45331688-T-C. GRCh37 (hg19) VCF-style: chr1-45797360-T-C.
Other names: c.1075A>G, p.Ile359Val (NM_001048171.2, NM_001048173.2, NM_001407070.1 and 6 more transcripts); c.1078A>G, p.Ile360Val (NM_001048172.2, NM_001407071.1, NM_001407078.1 and 1 more transcripts); c.991A>G, p.Ile331Val (NM_001407075.1); c.1108A>G, p.Ile370Val (NM_001407077.1, NM_001293191.2, NM_001407069.1); c.1036A>G, p.Ile346Val (NM_001407079.1); c.1033A>G, p.Ile345Val (NM_001407080.1); c.1159A>G, p.Ile387Val (NM_001128425.2); c.1120A>G, p.Ile374Val (NM_001293190.2); and 5 more; short protein forms I244V, I346V, I374V, I360V, I345V, I366V, I267V, I331V.
Identifiers: ClinVar variation 4113065 (VCV004113065.1).

ClinVar aggregate classification (germline): Uncertain significance (1 of 4 stars; one submission).

Conditions:
Hereditary cancer-predisposing syndrome. Also called: Tumor predisposition; Neoplastic Syndromes, Hereditary; Hereditary neoplastic syndrome; Hereditary Cancer Syndrome. Identifiers: Orphanet 140162, MedGen C0027672, MeSH D009386, MONDO:0015356.

Submission:

Ambry Genetics
Classification: Uncertain significance for Hereditary cancer-predisposing syndrome. Last evaluated: 2025-08-27. Review status: criteria provided, single submitter. Criteria: Ambry Variant Classification Scheme 2023. Collection method: clinical testing. Allele origin: germline.
Comment: The p.I387V variant (also known as c.1159A>G), located in coding exon 12 of the MUTYH gene, results from an A to G substitution at nucleotide position 1159. The isoleucine at codon 387 is replaced by valine, an amino acid with highly similar properties. This amino acid position is conserved. In addition, this alteration is predicted to be tolerated by in silico analysis. Based on the available evidence, the clinical significance of this variant remains unclear.